The following is an entry in ClinVar:

ClinVar aggregate classification (germline): Uncertain significance (1 of 4 stars; one submission).

Submission:

Women's Health and Genetics/Laboratory Corporation of America, LabCorp
Classification: Uncertain significance. Last evaluated: 2026-01-20. Review status: criteria provided, single submitter. Criteria: LabCorp Variant Classification Summary - May 2015. Collection method: clinical testing. Allele origin: germline.
Comment: Variant summary: AEBP1 c.1343C>G (p.Thr448Ser) results in a conservative amino acid change in the encoded protein sequence. Algorithms developed to predict the effect of missense changes on protein structure and function are either unavailable or do not agree on the potential impact of this missense change. The variant was absent in 250830 control chromosomes. The available data on variant occurrences in the general population are insufficient to allow any conclusion about variant significance. To our knowledge, no occurrence of c.1343C>G in individuals affected with AEBP1-related conditions and no experimental evidence demonstrating its impact on protein function have been reported. No submitters have cited clinical-significance assessments for this variant to ClinVar. Based on the evidence outlined above, the variant was classified as uncertain significance.

NM_001129.5(AEBP1):c.1343C>G (p.Thr448Ser)

Gene: AEBP1 (AE binding protein 1; plus strand). Cytogenetic location: 7p13.
Variant type: single nucleotide variant.
Coding change: c.1343C>G on transcript NM_001129.5 (MANE Select); coding-DNA position 1343, C replaced by G.
Protein change: p.Thr448Ser; replaces threonine 448 with serine.
Molecular consequence: missense variant.
Genome position (GRCh38, 1-based): chr7:44,110,289, C>G. VCF-style: chr7-44110289-C-G. GRCh37 (hg19) VCF-style: chr7-44149888-C-G.
Other names: short protein forms T448S.
Identifiers: ClinVar variation 4689214 (VCV004689214.1).